The following is an entry in ClinVar:

NM_181836.6(TMED7):c.660_661delinsAT (p.Arg221Cys)

Genes: TMED7 (transmembrane p24 trafficking protein 7; minus strand), TMED7-TICAM2 (TMED7-TICAM2 readthrough; minus strand), TICAM2-AS1 (TICAM2 antisense RNA 1; plus strand). Cytogenetic location: 5q22.3.
Variant type: Indel.
Coding change: c.660_661delinsAT on transcript NM_181836.6 (MANE Select); coding-DNA positions 660 to 661, TC replaced by AT.
Protein change: p.Arg221Cys; replaces arginine 221 with cysteine.
Molecular consequence: missense variant. On other transcripts: intron variant (2).
Genome position (GRCh38, 1-based): chr5:115,616,223-115,616,224, GA replaced by AT on the plus strand (TC replaced by AT on the coding strand, the reverse complement: TMED7 is on the minus strand). VCF-style: chr5-115616223-GA-AT. GRCh37 (hg19) VCF-style: chr5-114951920-GA-AT.
Other names: c.566+94_566+95delinsAT (NM_001164468.4, NM_001164469.4); short protein forms R221C.
Identifiers: ClinVar variation 1961753 (VCV001961753.5), dbSNP rs2531877931, ClinGen allele CA2580072365.

ClinVar aggregate classification (germline): Uncertain significance (1 of 4 stars; one submission).

Submission:

Labcorp Genetics (formerly Invitae), Labcorp
Classification: Uncertain significance. Last evaluated: 2022-09-29. Review status: criteria provided, single submitter. Criteria: Invitae Variant Classification Sherloc (09022015). Collection method: clinical testing. Allele origin: germline.
Comment: Information on the frequency of this variant in the gnomAD database is not available, as this variant may be reported differently in the database. In summary, the available evidence is currently insufficient to determine the role of this variant in disease. Therefore, it has been classified as a Variant of Uncertain Significance. Experimental studies and prediction algorithms are not available or were not evaluated, and the functional significance of this variant is currently unknown. This variant has not been reported in the literature in individuals affected with TMED7-related conditions. This sequence change replaces arginine, which is basic and polar, with cysteine, which is neutral and slightly polar, at codon 221 of the TMED7 protein (p.Arg221Cys).